The following is an entry in ClinVar:

ClinVar aggregate classification (germline): Uncertain significance (1 of 4 stars; one submission).

Allele frequency attached by ClinVar (database versions not stated): gnomAD 0.00001; TOPMed 0.00002.
gnomAD v4.1: 1 of 1,598,788 alleles (0.000063%); highest among the groups gnomAD compares: African/African-American, 0.0014%; no homozygotes.

Submission:

Labcorp Genetics (formerly Invitae), Labcorp
Classification: Uncertain significance. Last evaluated: 2023-08-10. Review status: criteria provided, single submitter. Criteria: Invitae Variant Classification Sherloc (09022015). Collection method: clinical testing. Allele origin: germline.
Comment: In summary, the available evidence is currently insufficient to determine the role of this variant in disease. Therefore, it has been classified as a Variant of Uncertain Significance. Advanced modeling of protein sequence and biophysical properties (such as structural, functional, and spatial information, amino acid conservation, physicochemical variation, residue mobility, and thermodynamic stability) performed at Invitae indicates that this missense variant is not expected to disrupt PNPT1 protein function. ClinVar contains an entry for this variant (Variation ID: 1412272). This variant has not been reported in the literature in individuals affected with PNPT1-related conditions. This variant is not present in population databases (gnomAD no frequency). This sequence change replaces leucine, which is neutral and non-polar, with methionine, which is neutral and non-polar, at codon 353 of the PNPT1 protein (p.Leu353Met).

NM_033109.5(PNPT1):c.1057T>A (p.Leu353Met)

Gene: PNPT1 (polyribonucleotide nucleotidyltransferase 1; minus strand). Cytogenetic location: 2p16.1.
Variant type: single nucleotide variant.
Coding change: c.1057T>A on transcript NM_033109.5 (MANE Select); coding-DNA position 1057, T replaced by A.
Protein change: p.Leu353Met; replaces leucine 353 with methionine.
Molecular consequence: missense variant.
Genome position (GRCh38, 1-based): chr2:55,667,878, A>T on the plus strand (T>A on the coding strand, the complement: PNPT1 is on the minus strand). VCF-style: chr2-55667878-A-T. GRCh37 (hg19) VCF-style: chr2-55895013-A-T.
Other names: short protein forms L353M.
Identifiers: ClinVar variation 1412272 (VCV001412272.7), dbSNP rs938033053, ClinGen allele CA47662122.